The following is an entry in ClinVar:

ClinVar aggregate classification (germline): Conflicting classifications of pathogenicity. Review status: criteria provided, conflicting classifications (1 of 4 stars). 3 submissions from 3 submitters: Uncertain significance (1); Likely benign (1). 1 of the submissions does not count toward it. Last evaluated 2025-05-27.

Conditions:
CASK-related disorder. Also called: CASK-related disorders; CASK-related condition.
Intellectual disability, CASK-related, X-linked. Identifiers: MedGen CN043158.

gnomAD v4.1: 8 of 1,198,016 alleles (0.00067%); highest among the groups gnomAD compares: East Asian, 0.0089%; no homozygotes.

Submissions (3):

Labcorp Genetics (formerly Invitae), Labcorp
Classification: Likely benign for Intellectual disability, CASK-related, X-linked. Last evaluated: 2025-05-27. Review status: criteria provided, single submitter. Criteria: Invitae Variant Classification Sherloc (09022015). Collection method: clinical testing. Allele origin: germline.

Athena Diagnostics
Classification: Uncertain significance. Last evaluated: 2020-02-12. Review status: criteria provided, single submitter. Criteria: Athena Diagnostics Criteria. Collection method: clinical testing. Allele origin: unknown.

PreventionGenetics, part of Exact Sciences
Classification: Likely benign for CASK-related condition. Last evaluated: 2023-12-19. Review status: no assertion criteria provided. Collection method: clinical testing. Allele origin: germline. Not counted in ClinVar's aggregate classification.
Comment: This variant is classified as likely benign based on ACMG/AMP sequence variant interpretation guidelines (Richards et al. 2015 PMID: 25741868, with internal and published modifications).

NM_001367721.1(CASK):c.1669-7C>G

Gene: CASK (calcium/calmodulin dependent serine protein kinase; minus strand). Cytogenetic location: Xp11.4.
Variant type: single nucleotide variant.
Coding change: c.1669-7C>G on transcript NM_001367721.1 (MANE Select); 7 bases into the intron before coding-DNA position 1669, C replaced by G.
Molecular consequence: intron variant.
Genome position (GRCh38, 1-based): chrX:41,559,854, G>C on the plus strand (C>G on the coding strand, the complement: CASK is on the minus strand). VCF-style: chrX-41559854-G-C. GRCh37 (hg19) VCF-style: chrX-41419107-G-C.
Other names: c.1651-7C>G (NM_001126055.3, NM_001410745.1); c.1669-7C>G (NM_001126054.3, NM_003688.4).
Identifiers: ClinVar variation 995063 (VCV000995063.6), dbSNP rs780719523, ClinGen allele CA10390149.
Genomic context (GRCh38, chrX:41,559,854, plus strand): 5'-CTGAGTGCGGTAACTTGGCACAATCTTGAAGGTAATACTCCCCCGCATTTCCCTCTGGAG[G>C]GGGGGTGGTGGGAAAGAAAGAAAAGTTTTCTTACAAACAATTGTTCACAAAACCATGTAA-3'